The following is an entry in ClinVar:

NM_024675.4(PALB2):c.1771C>G (p.Pro591Ala)

Gene: PALB2 (partner and localizer of BRCA2; minus strand). Cytogenetic location: 16p12.2.
Variant type: single nucleotide variant.
Coding change: c.1771C>G on transcript NM_024675.4 (MANE Select); coding-DNA position 1771, C replaced by G.
Protein change: p.Pro591Ala; replaces proline 591 with alanine.
Molecular consequence: missense variant.
Genome position (GRCh38, 1-based): chr16:23,630,383, G>C on the plus strand (C>G on the coding strand, the complement: PALB2 is on the minus strand). VCF-style: chr16-23630383-G-C. GRCh37 (hg19) VCF-style: chr16-23641704-G-C.
Other names: short protein forms P591A.
Identifiers: ClinVar variation 231582 (VCV000231582.5), dbSNP rs876659241, ClinGen allele CA10579998.

ClinVar aggregate classification (germline): Uncertain significance (1 of 4 stars; one submission).

Conditions:
Hereditary cancer-predisposing syndrome. Also called: Neoplastic Syndromes, Hereditary; Tumor predisposition; Hereditary Cancer Syndrome; Hereditary neoplastic syndrome. Identifiers: Orphanet 140162, MedGen C0027672, MeSH D009386, MONDO:0015356.

Submission:

Ambry Genetics
Classification: Uncertain significance for Hereditary cancer-predisposing syndrome. Last evaluated: 2015-04-28. Review status: criteria provided, single submitter. Criteria: Ambry Variant Classification Scheme 2023. Collection method: clinical testing. Allele origin: germline.
Comment: The p.P591A variant (also known as c.1771C>G), located in coding exon 5 of the PALB2 gene, results from a C to G substitution at nucleotide position 1771. The proline at codon 591 is replaced by alanine, an amino acid with highly similar properties. This variant was not reported in population based cohorts in the following databases: Database of Single Nucleotide Polymorphisms (dbSNP), NHLBI Exome Sequencing Project (ESP), and 1000 Genomes Project. In the ESP, this variant was not observed in 6497 samples (12994 alleles) with coverage at this position. To date, this alteration has been detected with an allele frequency of approximately 0.001% (greater than 70000 alleles tested) in our clinical cohort. This amino acid position is not well conserved in available vertebrate species. In addition, this alteration is predicted to be tolerated by in silico analysis. Since supporting evidence is limited at this time, the clinical significance of p.P591A remains unclear.